The following is an entry in ClinVar:

NM_004727.3(SLC24A1):c.3291_3294del (p.Val1099fs)

Gene: SLC24A1 (solute carrier family 24 member 1; plus strand). Cytogenetic location: 15q22.31.
Variant type: Deletion.
Coding change: c.3291_3294del on transcript NM_004727.3 (MANE Select); coding-DNA positions 3291 to 3294, 4 bases deleted (ATCT; older notation c.3291_3294delATCT).
Protein change: p.Val1099fs; shifts the reading frame from valine 1099.
Molecular consequence: frameshift variant. On other transcripts: intron variant (1).
Genome position (GRCh38, 1-based): chr15:65,654,070-65,654,073, ATCT deleted; deleting any 4 consecutive bases within chr15:65,654,069-65,654,073 gives the same sequence; the c. name uses the placement nearest the transcript's 3' end. VCF-style (leftmost placement, unchanged base first): chr15-65654068-GTATC-G. GRCh37 (hg19) VCF-style: chr15-65946406-GTATC-G.
Other names: c.3291_3294delATCT (NM_004727.3); c.1272_1275del, p.Val426fs (NM_001254740.2); c.3201_3204del, p.Val1069fs (NM_001301031.1); c.3237_3240del, p.Val1081fs (NM_001301032.1); c.2996+1262_2996+1265del (NM_001301033.2); short protein forms V1069fs, V1099fs, V1081fs, V426fs.
Identifiers: ClinVar variation 489399 (VCV000489399.3), dbSNP rs766780281, ClinGen allele CA7620344.

ClinVar aggregate classification (germline): Pathogenic. Review status: criteria provided, single submitter (1 of 4 stars). 2 submissions from 2 submitters: Pathogenic (1). 1 of the submissions does not count toward it. Last evaluated 2025-03-21.

Conditions:
Congenital stationary night blindness 1D. Also called: Night blindness, congenital stationary (complete), 1D, autosomal recessive. Identifiers: Orphanet 215, MedGen C3151193, MONDO:0013450, OMIM 613830.

Submissions (2):

First Genomix Gene Laboratory, Genetic Diagnostics Department
Classification: Pathogenic for Congenital stationary night blindness 1D. Last evaluated: 2025-03-21. Review status: criteria provided, single submitter. Criteria: ACMG Guidelines, 2015. Collection method: clinical testing. Allele origin: germline. Inheritance: Autosomal recessive inheritance. Affected: no. Observed: 1 variant allele.

OMIM
Classification: Pathogenic for NIGHT BLINDNESS, CONGENITAL STATIONARY, TYPE 1D. Last evaluated: 2018-02-12. Review status: no assertion criteria provided. Collection method: literature only. Allele origin: germline. Not counted in ClinVar's aggregate classification.

Literature cited by the submitters: PubMed 26822852 (cited by OMIM).